The following is an entry in ClinVar:

ClinVar aggregate classification (germline): Uncertain significance (1 of 4 stars; one submission).

gnomAD v4.1: 9 of 1,613,558 alleles (0.00056%); highest among the groups gnomAD compares: East Asian, 0.0045%; no homozygotes.

Submission:

Labcorp Genetics (formerly Invitae), Labcorp
Classification: Uncertain significance. Last evaluated: 2022-05-21. Review status: criteria provided, single submitter. Criteria: Invitae Variant Classification Sherloc (09022015). Collection method: clinical testing. Allele origin: germline.
Comment: In summary, the available evidence is currently insufficient to determine the role of this variant in disease. Therefore, it has been classified as a Variant of Uncertain Significance. This sequence change replaces valine, which is neutral and non-polar, with methionine, which is neutral and non-polar, at codon 506 of the ATP8A2 protein (p.Val506Met). This variant is not present in population databases (gnomAD no frequency). This variant has not been reported in the literature in individuals affected with ATP8A2-related conditions. Algorithms developed to predict the effect of missense changes on protein structure and function are either unavailable or do not agree on the potential impact of this missense change (SIFT: "Deleterious"; PolyPhen-2: "Possibly Damaging"; Align-GVGD: "Class C0").

NM_016529.6(ATP8A2):c.1516G>A (p.Val506Met)

Gene: ATP8A2 (ATPase phospholipid transporting 8A2). Cytogenetic location: 13q12.13.
Variant type: single nucleotide variant.
Coding change: c.1516G>A on transcript NM_016529.6 (MANE Select); coding-DNA position 1516, G replaced by A.
Protein change: p.Val506Met; replaces valine 506 with methionine.
Molecular consequence: missense variant.
Genome position (GRCh38, 1-based): chr13:25,570,809, G>A. VCF-style: chr13-25570809-G-A. GRCh37 (hg19) VCF-style: chr13-26144947-G-A.
Other names: c.1396G>A, p.Val466Met (NM_001313741.1); c.1516G>A, p.Val506Met (NM_001411005.1, NM_001411006.1); short protein forms V466M, V506M.
Identifiers: ClinVar variation 1932758 (VCV001932758.5), dbSNP rs1358476114, ClinGen allele CA387614078.